The following is an entry in ClinVar:

NM_002691.4(POLD1):c.1138-9C>T

Gene: POLD1 (DNA polymerase delta 1, catalytic subunit; plus strand). Cytogenetic location: 19q13.33.
Variant type: single nucleotide variant.
Coding change: c.1138-9C>T on transcript NM_002691.4 (MANE Select); 9 bases into the intron before coding-DNA position 1138, C replaced by T.
Molecular consequence: intron variant.
Genome position (GRCh38, 1-based): chr19:50,403,484, C>T. VCF-style: chr19-50403484-C-T. GRCh37 (hg19) VCF-style: chr19-50906741-C-T.
Other names: c.1138-9C>T (NM_001256849.1, NM_001308632.1).
Identifiers: ClinVar variation 1531519 (VCV001531519.9), dbSNP rs2122276804, ClinGen allele CA2573156575.

ClinVar aggregate classification (germline): Likely benign. Review status: criteria provided, multiple submitters, no conflicts (2 of 4 stars). 2 submissions from 2 submitters: Likely benign (2). Last evaluated 2025-05-05.

Conditions:
POLD1-related polyposis and colorectal cancer syndrome (CRCS10). Also called: Colorectal cancer 10; COLORECTAL CANCER, SUSCEPTIBILITY TO, ON CHROMOSOME 19q; Colorectal cancer, susceptibility to, 10. Identifiers: Orphanet 220460, MedGen C2675481, MONDO:0012953, OMIM 612591.

Submissions (2):

Labcorp Genetics (formerly Invitae), Labcorp
Classification: Likely benign for POLD1-related polyposis and colorectal cancer syndrome. Last evaluated: 2025-05-05. Review status: criteria provided, single submitter. Criteria: Invitae Variant Classification Sherloc (09022015). Collection method: clinical testing. Allele origin: germline.

Myriad Genetics, Inc.
Classification: Likely benign for POLD1-related polyposis and colorectal cancer syndrome. Last evaluated: 2025-02-05. Review status: criteria provided, single submitter. Criteria: Myriad Autosomal Dominant, Autosomal Recessive and X-Linked Classification Criteria (2023). Collection method: clinical testing. Allele origin: unknown.
Comment: This variant is considered likely benign. This variant is intronic and is not expected to impact mRNA splicing.